The following is an entry in ClinVar:

NM_000523.4(HOXD13):c.439C>T (p.Gln147Ter)

Gene: HOXD13 (homeobox D13; plus strand). Cytogenetic location: 2q31.1.
Variant type: single nucleotide variant.
Coding change: c.439C>T on transcript NM_000523.4 (MANE Select); coding-DNA position 439, C replaced by T.
Protein change: p.Gln147Ter; replaces glutamine 147 with a stop codon.
Molecular consequence: nonsense.
Genome position (GRCh38, 1-based): chr2:176,093,329, C>T. VCF-style: chr2-176093329-C-T. GRCh37 (hg19) VCF-style: chr2-176958057-C-T.
Other names: short protein forms Q147*.
Identifiers: ClinVar variation 4888425 (VCV004888425.1).
Genomic context (GRCh38, chr2:176,093,329, plus strand): 5'-TACGGCTACCACTTCGGCAACGGCTACTACAGCTGCCGTATGTCGCACGGCGTGGGCTTA[C>T]AGCAGAATGCGCTCAAGTCATCGCCGCACGCCTCGCTGGGAGGCTTTCCCGTGGAGAAGT-3'

ClinVar aggregate classification (germline): Likely pathogenic (1 of 4 stars; one submission).

Conditions:
Brachydactyly type D. Also called: STUB THUMB. Identifiers: MedGen C0220664, MONDO:0007222, OMIM 113200, HP:0005627.
Syndactyly type 5. Also called: SYNDACTYLY WITH METACARPAL AND METATARSAL FUSION; Syndactyly, type V; Syndactyly with associated metacarpal and metatarsal fusion. Identifiers: Orphanet 93406, MedGen C1861348, MONDO:0008516, OMIM 186300.
Brachydactyly-syndactyly syndrome (BDSD). Identifiers: Orphanet 93409, MedGen C1853137, MONDO:0012544, OMIM 610713.
Brachydactyly type E1 (BDE1). Identifiers: Orphanet 93387, MedGen C1862102, MONDO:0007223, OMIM 113300.
Synpolydactyly type 1. Identifiers: Orphanet 295195, MedGen C5574994, MONDO:0008513, OMIM 186000.

Submission:

New York Genome Center
Classification: Likely pathogenic for Synpolydactyly type 1; Syndactyly type 5; Brachydactyly type E1; Brachydactyly type D; Brachydactyly-syndactyly syndrome. Last evaluated: 2025-02-28. Review status: criteria provided, single submitter. Criteria: NYGC Assertion Criteria 2020. Collection method: clinical testing. Allele origin: inherited. Observed: 1 variant allele, 1 heterozygote.
Comment: The inherited c.439C>T variant is a single nucleotide variant predicted to introduce a premature termination codon at amino acid p.Gln147 (of 344) within exon 1 of this 2-exon gene (p.(Gln147Ter)). This variant is predicted to lead to loss of function via nonsense mediated decay or premature truncation of the protein. This variant is absent from population databases (gnomADv4.1.0, All of Us) suggesting it is not a common benign variant in the populations represented in those databases. The c.439C>T, p.(Gln147Ter) variant is absent from ClinVar and to our current knowledge has not been reported in affected individuals in the literature, however nonsense and frameshift variants both upstream and downstream have been reported in individuals with HOXD13-associated phenotypes including clinodactyly, unilateral or bilateral webbing of fingers or toes, syndactyly, and other variable distal skeletal anomalies of the fingers and toes with inter- and intrafamilial variability and reduced penetrance [PMID:37427568]. Given the available evidence, the inherited c.439C>T, p.(Gln147Ter) variant identified in the HOXD13 gene is reported as Likely Pathogenic.